The following is an entry in ClinVar:

NM_001190274.2(FBXO11):c.12C>A (p.Val4=)

Genes: FBXO11 (F-box protein 11; minus strand), LOC100506235 (uncharacterized LOC100506235; plus strand). Cytogenetic location: 2p16.3.
Variant type: single nucleotide variant.
Coding change: c.12C>A on transcript NM_001190274.2 (MANE Select); coding-DNA position 12, C replaced by A.
Protein change: p.Val4=; no amino-acid change (valine 4 retained).
Molecular consequence: synonymous variant.
Genome position (GRCh38, 1-based): chr2:47,905,709, G>T on the plus strand (C>A on the coding strand, the complement: FBXO11 is on the minus strand). VCF-style: chr2-47905709-G-T. GRCh37 (hg19) VCF-style: chr2-48132848-G-T.
Identifiers: ClinVar variation 1641243 (VCV001641243.30), dbSNP rs910667496, ClinGen allele CA47236603.

ClinVar aggregate classification (germline): Likely benign. Review status: criteria provided, multiple submitters, no conflicts (2 of 4 stars). 2 submissions from 2 submitters: Likely benign (2). Last evaluated 2025-06-01.

Allele frequency attached by ClinVar (database versions not stated): gnomAD 0.00001; gnomAD exomes 0.00002.
gnomAD v4.1: 26 of 1,525,046 alleles (0.0017%); highest among the groups gnomAD compares: Non-Finnish European, 0.0022%; no homozygotes.

Submissions (2):

CeGaT Center for Human Genetics Tuebingen
Classification: Likely benign. Last evaluated: 2025-06-01. Review status: criteria provided, single submitter. Criteria: CeGaT Center For Human Genetics Tuebingen Variant Classification Criteria Version 2. Collection method: clinical testing. Allele origin: germline. Affected: yes. Observed: 3 variant alleles.
Comment: FBXO11: BP4, BP7

Labcorp Genetics (formerly Invitae), Labcorp
Classification: Likely benign. Last evaluated: 2023-10-16. Review status: criteria provided, single submitter. Criteria: Invitae Variant Classification Sherloc (09022015). Collection method: clinical testing. Allele origin: germline.